The following is an entry in ClinVar:

NM_001378609.3(OTOGL):c.3450+9A>G

Gene: OTOGL (otogelin like; plus strand). Cytogenetic location: 12q21.31.
Variant type: single nucleotide variant.
Coding change: c.3450+9A>G on transcript NM_001378609.3 (MANE Select); 9 bases into the intron after coding-DNA position 3450, A replaced by G.
Molecular consequence: intron variant.
Genome position (GRCh38, 1-based): chr12:80,310,736, A>G. VCF-style: chr12-80310736-A-G. GRCh37 (hg19) VCF-style: chr12-80704516-A-G.
Other names: c.3315+9A>G (NM_001368062.3); c.3450+9A>G (NM_001378610.3, NM_173591.7).
Identifiers: ClinVar variation 505896 (VCV000505896.5), dbSNP rs576035717, ClinGen allele CA6701064.

ClinVar aggregate classification (germline): Likely benign (1 of 4 stars; one submission).

Allele frequency attached by ClinVar (database versions not stated): gnomAD exomes below 0.00001 and 0.00001; gnomAD 0.00001 and 0.00003; ExAC 0.00002; TOPMed 0.00002; 1000 Genomes Project 0.00040; 1000 Genomes Project 30x 0.00047.
gnomAD v4.1: 11 of 1,529,022 alleles (0.00072%); highest among the groups gnomAD compares: African/African-American, 0.0082%; no homozygotes.

Submission:

Laboratory for Molecular Medicine, Mass General Brigham Personalized Medicine
Classification: Likely benign. Last evaluated: 2017-07-05. Review status: criteria provided, single submitter. Criteria: LMM Criteria. Collection method: clinical testing. Allele origin: germline. Observed: 1 variant allele.
Comment: c.3423+9A>G in intron 29 of OTOGL: This variant is not expected to have clinical significance because it is not located within the splice consensus sequence. It has been identified in 3/14952 African chromosomes by the Genome Aggregation Da tabase (gnomAD; dbSNP rs576035717).